The following is an entry in ClinVar:

NM_001384125.1(BLTP1):c.6994G>A (p.Ala2332Thr)

Gene: BLTP1 (bridge-like lipid transfer protein family member 1; plus strand). Cytogenetic location: 4q27.
Variant type: single nucleotide variant.
Coding change: c.6994G>A on transcript NM_001384125.1 (MANE Select); coding-DNA position 6994, G replaced by A.
Protein change: p.Ala2332Thr; replaces alanine 2332 with threonine.
Molecular consequence: missense variant.
Genome position (GRCh38, 1-based): chr4:122,263,453, G>A. VCF-style: chr4-122263453-G-A. GRCh37 (hg19) VCF-style: chr4-123184608-G-A.
Other names: c.6994G>A, p.Ala2332Thr (NM_015312.4); short protein forms A2332T.
Identifiers: ClinVar variation 3134238 (VCV003134238.2), dbSNP rs201678604, ClinGen allele CA3066932.

ClinVar aggregate classification (germline): Uncertain significance. Review status: criteria provided, multiple submitters, no conflicts (2 of 4 stars). 2 submissions from 2 submitters: Uncertain significance (2). Last evaluated 2025-05-13.

Allele frequency attached by ClinVar (database versions not stated): ExAC 0.00008; ESP Exome Variant Server 0.00034; gnomAD 0.00034; gnomAD exomes 0.00003; TOPMed 0.00028.
gnomAD v4.1: 93 of 1,597,350 alleles (0.0058%); highest among the groups gnomAD compares: African/African-American, 0.11%; no homozygotes.

Submissions (2):

GeneDx
Classification: Uncertain significance. Last evaluated: 2025-05-13. Review status: criteria provided, single submitter. Criteria: GeneDx Variant Classification Process June 2021. Collection method: clinical testing. Allele origin: germline. Affected: yes.
Comment: In silico analysis suggests that this missense variant does not alter protein structure/function; Has not been previously published as pathogenic or benign to our knowledge

Ambry Genetics
Classification: Uncertain significance. Last evaluated: 2021-06-09. Review status: criteria provided, single submitter. Criteria: Ambry Variant Classification Scheme 2023. Collection method: clinical testing. Allele origin: germline.